The following is an entry in ClinVar:

ClinVar aggregate classification (germline): Uncertain significance. Review status: criteria provided, multiple submitters, no conflicts (2 of 4 stars). 2 submissions from 2 submitters: Uncertain significance (2). Last evaluated 2025-06-23.

Conditions:
Dilated cardiomyopathy 1DD (CMD1DD). Identifiers: Orphanet 154, MedGen C2750995, MONDO:0013168, OMIM 613172.
Cardiovascular phenotype. Identifiers: MedGen CN230736.

Allele frequency attached by ClinVar (database versions not stated): gnomAD exomes 0.00001; TOPMed 0.00001; gnomAD 0.00002.
gnomAD v4.1: 12 of 1,551,454 alleles (0.00077%); highest among the groups gnomAD compares: Non-Finnish European, 0.001%; no homozygotes.

Submissions (2):

Ambry Genetics
Classification: Uncertain significance for Cardiovascular phenotype. Last evaluated: 2025-06-23. Review status: criteria provided, single submitter. Criteria: Ambry Variant Classification Scheme 2023. Collection method: clinical testing. Allele origin: germline.

Labcorp Genetics (formerly Invitae), Labcorp
Classification: Uncertain significance for Dilated cardiomyopathy 1DD. Last evaluated: 2023-05-05. Review status: criteria provided, single submitter. Criteria: Invitae Variant Classification Sherloc (09022015). Collection method: clinical testing. Allele origin: germline.
Comment: In summary, the available evidence is currently insufficient to determine the role of this variant in disease. Therefore, it has been classified as a Variant of Uncertain Significance. Advanced modeling of protein sequence and biophysical properties (such as structural, functional, and spatial information, amino acid conservation, physicochemical variation, residue mobility, and thermodynamic stability) performed at Invitae indicates that this missense variant is not expected to disrupt RBM20 protein function. ClinVar contains an entry for this variant (Variation ID: 659826). This variant has not been reported in the literature in individuals affected with RBM20-related conditions. This variant is present in population databases (no rsID available, gnomAD 0.003%). This sequence change replaces phenylalanine, which is neutral and non-polar, with leucine, which is neutral and non-polar, at codon 278 of the RBM20 protein (p.Phe278Leu).

NM_001134363.3(RBM20):c.832T>C (p.Phe278Leu)

Gene: RBM20 (RNA binding motif protein 20; plus strand). Cytogenetic location: 10q25.2.
Variant type: single nucleotide variant.
Coding change: c.832T>C on transcript NM_001134363.3 (MANE Select); coding-DNA position 832, T replaced by C.
Protein change: p.Phe278Leu; replaces phenylalanine 278 with leucine.
Molecular consequence: missense variant.
Genome position (GRCh38, 1-based): chr10:110,781,441, T>C. VCF-style: chr10-110781441-T-C. GRCh37 (hg19) VCF-style: chr10-112541199-T-C.
Other names: c.832T>C (NM_001134363.1); short protein forms F278L.
Identifiers: ClinVar variation 659826 (VCV000659826.7), dbSNP rs1014048064, ClinGen allele CA213234890.
Genomic context (GRCh38, chr10:110,781,441, plus strand): 5'-TCGGGCAGTGTGACCTATGAAGGGCACTACAGCCACACAGGGCAGGATGGTCAAGCTGCC[T>C]TTTCCAAAGATTTTTACGGACCCAACTCCCAAGGTTCACATGTGGCCAGCGGATTTCCAG-3'
Protein context (NP_001127835.2, residues 268-288): SHTGQDGQAA[Phe278Leu]SKDFYGPNSQ